The following is an entry in ClinVar:

ClinVar aggregate classification (germline): Uncertain significance (1 of 4 stars; one submission).

Conditions:
Congenital contractural arachnodactyly (CCA). Also called: BEALS SYNDROME; Arthrogryposis, distal, type 9; Beals-Hecht syndrome. Identifiers: Orphanet 115, MedGen C0220668, MONDO:0007363, OMIM 121050.

Submission:

Labcorp Genetics (formerly Invitae), Labcorp
Classification: Uncertain significance for Congenital contractural arachnodactyly. Last evaluated: 2022-07-12. Review status: criteria provided, single submitter. Criteria: Invitae Variant Classification Sherloc (09022015). Collection method: clinical testing. Allele origin: germline.
Comment: This variant is not present in population databases (gnomAD no frequency). In summary, the available evidence is currently insufficient to determine the role of this variant in disease. Therefore, it has been classified as a Variant of Uncertain Significance. Algorithms developed to predict the effect of missense changes on protein structure and function (SIFT, PolyPhen-2, Align-GVGD) all suggest that this variant is likely to be disruptive. ClinVar contains an entry for this variant (Variation ID: 411836). This variant has not been reported in the literature in individuals affected with FBN2-related conditions. This sequence change replaces proline, which is neutral and non-polar, with alanine, which is neutral and non-polar, at codon 2640 of the FBN2 protein (p.Pro2640Ala).

NM_001999.4(FBN2):c.7918C>G (p.Pro2640Ala)

Gene: FBN2 (fibrillin 2; minus strand). Cytogenetic location: 5q23.3.
Variant type: single nucleotide variant.
Coding change: c.7918C>G on transcript NM_001999.4 (MANE Select); coding-DNA position 7918, C replaced by G.
Protein change: p.Pro2640Ala; replaces proline 2640 with alanine.
Molecular consequence: missense variant.
Genome position (GRCh38, 1-based): chr5:128,272,041, G>C on the plus strand (C>G on the coding strand, the complement: FBN2 is on the minus strand). VCF-style: chr5-128272041-G-C. GRCh37 (hg19) VCF-style: chr5-127607733-G-C.
Other names: short protein forms P2640A.
Identifiers: ClinVar variation 411836 (VCV000411836.9), dbSNP rs1060503512, ClinGen allele CA16611781.